The following is an entry in ClinVar:

NC_000007.13:g.(?_152617597)_(158500659_?)del

Genes: CNPY1 (canopy FGF signaling regulator 1; minus strand), DNAJB6 (DnaJ heat shock protein family (Hsp40) member B6; plus strand), EN2 (engrailed homeobox 2; plus strand), HTR5A (5-hydroxytryptamine receptor 5A; plus strand), INSIG1 (insulin induced gene 1; plus strand) and 10 more. Cytogenetic location: 7q36.2-36.3.
Variant type: Deletion.
Identifiers: ClinVar variation 2422565 (VCV002422565.3).

ClinVar aggregate classification (germline): Pathogenic. Review status: criteria provided, single submitter (1 of 4 stars). 2 submissions from 1 submitter: Pathogenic (1). 1 of the submissions does not count toward it. Last evaluated 2022-06-29.

Conditions:
Holoprosencephaly 3 (HPE3). Identifiers: Orphanet 2162, MedGen C1840529, MONDO:0007733, OMIM 142945.

Submissions (2):

Labcorp Genetics (formerly Invitae), Labcorp
Classification: Pathogenic. Last evaluated: 2022-06-29. Review status: criteria provided, single submitter. Criteria: Invitae Variant Classification Sherloc (09022015). Collection method: clinical testing. Allele origin: germline.
Comment: A gross deletion of the genomic region encompassing the full coding sequence of the MNX1 gene has been identified. Loss-of-function variants in MNX1 are known to be pathogenic (PMID: 10631160, 10749657, 16254195, 24095820). The boundaries of this event are unknown as they extend beyond the assayed region for this gene and therefore may encompass additional genes. A similar copy number variant has been observed in individual(s) with Currarino syndrome (PMID: 23370340). For these reasons, this variant has been classified as Pathogenic.

Labcorp Genetics (formerly Invitae), Labcorp
Classification: Pathogenic for Holoprosencephaly 3. Last evaluated: 2022-06-29. Review status: flagged submission. Criteria: Invitae Variant Classification Sherloc (09022015). Collection method: clinical testing. Allele origin: germline. Not counted in ClinVar's aggregate classification.
Comment: A gross deletion of the genomic region encompassing the full coding sequence of the SHH gene has been identified. Loss-of-function variants in SHH are known to be pathogenic (PMID: 19603532). The boundaries of this event are unknown as they extend beyond the assayed region for this gene and therefore may encompass additional genes. Isolated whole-gene deletions of SHH have not been reported in the literature. However, larger copy number events that include this gene have been reported (PMID: 20425842, 21976454, 29992659, 31334757). For these reasons, this variant has been classified as Pathogenic.
ClinVar note: Reason: This record appears to be redundant with a more recent record from the same submitter.
ClinVar note: Notes: SCV003790844 appears to be redundant with SCV003794820.

Literature cited by the submitters: PubMed 10631160; PubMed 10749657; PubMed 16254195; PubMed 24095820; PubMed 23370340; PubMed 19603532; PubMed 20425842; PubMed 21976454; PubMed 29992659; PubMed 31334757.